The following is an entry in ClinVar:

NM_014334.4(FRRS1L):c.191G>A (p.Gly64Asp)

Gene: FRRS1L (ferric chelate reductase 1 like; minus strand). Cytogenetic location: 9q31.3.
Variant type: single nucleotide variant.
Coding change: c.191G>A on transcript NM_014334.4 (MANE Select); coding-DNA position 191, G replaced by A.
Protein change: p.Gly64Asp; replaces glycine 64 with aspartic acid.
Molecular consequence: missense variant.
Genome position (GRCh38, 1-based): chr9:109,166,948, C>T on the plus strand (G>A on the coding strand, the complement: FRRS1L is on the minus strand). VCF-style: chr9-109166948-C-T. GRCh37 (hg19) VCF-style: chr9-111929228-C-T.
Other names: short protein forms G64D.
Identifiers: ClinVar variation 1958924 (VCV001958924.5), dbSNP rs1431832519, ClinGen allele CA374430316.

ClinVar aggregate classification (germline): Uncertain significance (1 of 4 stars; one submission).

Conditions:
Developmental and epileptic encephalopathy, 37 (DEE37). Also called: Epileptic encephalopathy, early infantile, 37. Identifiers: MedGen C4310770, MONDO:0014859, OMIM 616981.

Allele frequency attached by ClinVar (database versions not stated): gnomAD exomes 0.00001; TOPMed 0.00001; gnomAD 0.00003.
gnomAD v4.1: 12 of 1,361,082 alleles (0.00088%); highest among the groups gnomAD compares: African/African-American, 0.0075%; no homozygotes.

Submission:

Labcorp Genetics (formerly Invitae), Labcorp
Classification: Uncertain significance for Developmental and epileptic encephalopathy, 37. Last evaluated: 2024-02-26. Review status: criteria provided, single submitter. Criteria: Invitae Variant Classification Sherloc (09022015). Collection method: clinical testing. Allele origin: germline.
Comment: This sequence change replaces glycine, which is neutral and non-polar, with aspartic acid, which is acidic and polar, at codon 115 of the FRRS1L protein (p.Gly115Asp). This variant is present in population databases (no rsID available, gnomAD 0.02%). This variant has not been reported in the literature in individuals affected with FRRS1L-related conditions. ClinVar contains an entry for this variant (Variation ID: 1958924). An algorithm developed to predict the effect of missense changes on protein structure and function (PolyPhen-2) suggests that this variant is likely to be tolerated. In summary, the available evidence is currently insufficient to determine the role of this variant in disease. Therefore, it has been classified as a Variant of Uncertain Significance.